The following is an entry in ClinVar:

ClinVar aggregate classification (germline): Uncertain significance. Review status: criteria provided, multiple submitters, no conflicts (2 of 4 stars). 3 submissions from 3 submitters: Uncertain significance (3). Last evaluated 2024-04-16.

Conditions:
RECON progeroid syndrome (RECON). Identifiers: MedGen C5830504, MONDO:0957266, OMIM 620370.

Submissions (3):

Fulgent Genetics
Classification: Uncertain significance for RECON progeroid syndrome. Last evaluated: 2024-04-16. Review status: criteria provided, single submitter. Criteria: ACMG Guidelines, 2015. Collection method: clinical testing. Allele origin: germline.

Ambry Genetics
Classification: Uncertain significance. Last evaluated: 2024-01-29. Review status: criteria provided, single submitter. Criteria: Ambry Variant Classification Scheme 2023. Collection method: clinical testing. Allele origin: germline.
Comment: The c.1876_1878delAAG variant (also known as p.K626del) is located in coding exon 14 of the RECQL gene. This variant results from an in-frame AAG deletion at nucleotide positions 1876 to 1878. This results in the in-frame deletion of a lysine at codon 626. This amino acid position is well conserved in available vertebrate species. The evidence for this gene-disease relationship is limited; therefore, the clinical significance of this alteration is unclear.

Labcorp Genetics (formerly Invitae), Labcorp
Classification: Uncertain significance. Last evaluated: 2023-10-10. Review status: criteria provided, single submitter. Criteria: Invitae Variant Classification Sherloc (09022015). Collection method: clinical testing. Allele origin: germline.
Comment: This variant, c.1876_1878del, results in the deletion of 1 amino acid(s) of the RECQL protein (p.Lys626del), but otherwise preserves the integrity of the reading frame. This variant is present in population databases (no rsID available, gnomAD 0.003%). This variant has not been reported in the literature in individuals affected with RECQL-related conditions. ClinVar contains an entry for this variant (Variation ID: 1781774). Experimental studies and prediction algorithms are not available or were not evaluated, and the functional significance of this variant is currently unknown. In summary, the available evidence is currently insufficient to determine the role of this variant in disease. Therefore, it has been classified as a Variant of Uncertain Significance.

NM_002907.4(RECQL):c.1873AAG[1] (p.Lys626del)

Genes: PYROXD1 (pyridine nucleotide-disulphide oxidoreductase domain 1; plus strand), RECQL (RecQ like helicase; minus strand). Cytogenetic location: 12p12.1.
Variant type: Microsatellite.
Coding change: c.1873AAG[1] on transcript NM_002907.4 (MANE Select); one copy of the 3-base unit AAG starting at c.1873; the reference has two copies in a row; one copy, 3 bases deleted; also written c.1876_1878del.
Protein change: p.Lys626del; deletes lysine 626.
Molecular consequence: inframe deletion. On other transcripts: 3 prime UTR variant (3).
Genome position (GRCh38, 1-based): chr12:21,470,266-21,470,268, CTT deleted on the plus strand (AAG on the coding strand, the reverse complement: RECQL is on the minus strand); deleting any 3 consecutive bases within chr12:21,470,266-21,470,273 gives the same sequence; the position shown is the placement nearest the transcript's 3' end. VCF-style (leftmost placement, unchanged base first): chr12-21470265-CCTT-C. GRCh37 (hg19) VCF-style: chr12-21623199-CCTT-C.
Other names: c.1876_1878del (NM_002907.4); c.1873AAG[1], p.Lys626del (NM_032941.3); c.*1514TCT[1] (NM_001350912.2, NM_001350913.2, NM_024854.5); short protein forms K626del.
Identifiers: ClinVar variation 1781774 (VCV001781774.6), dbSNP rs1363019044, ClinGen allele CA603967537.